The following is an entry in ClinVar:

ClinVar aggregate classification (germline): Uncertain significance (1 of 4 stars; one submission).

Conditions:
Peripheral neuropathy. Also called: Neuropathy. Identifiers: MedGen C0031117, MONDO:0005244, HP:0009830.

Allele frequency attached by ClinVar (database versions not stated): gnomAD 0.00001; gnomAD exomes 0.00001; TOPMed 0.00001; ExAC 0.00002.
gnomAD v4.1: 19 of 1,595,636 alleles (0.0012%); highest among the groups gnomAD compares: South Asian, 0.0022%; no homozygotes.

Submission:

Labcorp Genetics (formerly Invitae), Labcorp
Classification: Uncertain significance for Neuropathy. Last evaluated: 2019-10-07. Review status: criteria provided, single submitter. Criteria: Invitae Variant Classification Sherloc (09022015). Collection method: clinical testing. Allele origin: germline.
Comment: This sequence change replaces glycine with serine at codon 665 of the FLRT1 protein (p.Gly665Ser). The glycine residue is highly conserved and there is a small physicochemical difference between glycine and serine. This variant is present in population databases (rs747737126, ExAC 0.01%). This variant has not been reported in the literature in individuals with FLRT1-related conditions. Algorithms developed to predict the effect of missense changes on protein structure and function are either unavailable or do not agree on the potential impact of this missense change (SIFT: "Deleterious"; PolyPhen-2: "Probably Damaging"; Align-GVGD: "Class C0"). In summary, the available evidence is currently insufficient to determine the role of this variant in disease. Therefore, it has been classified as a Variant of Uncertain Significance.

NM_013280.5(FLRT1):c.1993G>A (p.Gly665Ser)

Genes: FLRT1 (fibronectin leucine rich transmembrane protein 1; plus strand), MACROD1 (mono-ADP ribosylhydrolase 1; minus strand). Cytogenetic location: 11q13.1.
Variant type: single nucleotide variant.
Coding change: c.1993G>A on transcript NM_013280.5 (MANE Select); coding-DNA position 1993, G replaced by A.
Protein change: p.Gly665Ser; replaces glycine 665 with serine.
Molecular consequence: missense variant. On other transcripts: intron variant (2).
Genome position (GRCh38, 1-based): chr11:64,118,260, G>A. VCF-style: chr11-64118260-G-A. GRCh37 (hg19) VCF-style: chr11-63885732-G-A.
Other names: c.1993G>A, p.Gly665Ser (NM_001384466.1); c.1909G>A, p.Gly637Ser (NM_001423967.1); c.517+32979C>T (NM_001411019.1, NM_014067.4); short protein forms G665S, G637S.
Identifiers: ClinVar variation 954974 (VCV000954974.1), dbSNP rs747737126, ClinGen allele CA6067852.
Genomic context (GRCh38, chr11:64,118,260, plus strand): 5'-AGCCTCTGCAAGGCCACACACACCATTGGCTACGGCACCACGCGGGGCTACCGGGACGGC[G>A]GCATCCCCGACATAGACTACTCCTACACATGATGCCCGCCCACCCGGGCTGCCCCGCCTC-3'
Protein context (NP_037412.2, residues 655-674): YGTTRGYRDG[Gly665Ser]IPDIDYSYT